The following is an entry in ClinVar:

NM_015602.4(TOR1AIP1):c.555G>A (p.Val185=)

Gene: TOR1AIP1 (torsin 1A interacting protein 1; plus strand). Cytogenetic location: 1q25.2.
Variant type: single nucleotide variant.
Coding change: c.555G>A on transcript NM_015602.4 (MANE Select); coding-DNA position 555, G replaced by A.
Protein change: p.Val185=; no amino-acid change (valine 185 retained).
Molecular consequence: synonymous variant.
Genome position (GRCh38, 1-based): chr1:179,889,314, G>A. VCF-style: chr1-179889314-G-A. GRCh37 (hg19) VCF-style: chr1-179858449-G-A.
Other names: c.558G>A, p.Val186= (NM_001267578.2).
Identifiers: ClinVar variation 1079912 (VCV001079912.37), dbSNP rs769367527, ClinGen allele CA1268840.

ClinVar aggregate classification (germline): Likely benign. Review status: criteria provided, multiple submitters, no conflicts (2 of 4 stars). 3 submissions from 3 submitters: Likely benign (3). Last evaluated 2024-06-20.

Conditions:
Autosomal recessive limb-girdle muscular dystrophy type 2Y (MRRSDC). Also called: Muscular dystrophy, autosomal recessive, with rigid spine and distal joint contractures; Muscular dystrophy, limb-girdle, type 2y. Identifiers: Orphanet 424261, MedGen C4511482, MONDO:0014900, OMIM 617072.

Allele frequency attached by ClinVar (database versions not stated): ExAC 0.00001; gnomAD exomes 0.00001.
gnomAD v4.1: 17 of 1,598,506 alleles (0.0011%); highest among the groups gnomAD compares: Non-Finnish European, 0.0015%; no homozygotes.

Submissions (3):

Labcorp Genetics (formerly Invitae), Labcorp
Classification: Likely benign for Autosomal recessive limb-girdle muscular dystrophy type 2Y. Last evaluated: 2024-06-20. Review status: criteria provided, single submitter. Criteria: Invitae Variant Classification Sherloc (09022015). Collection method: clinical testing. Allele origin: germline.

Genome-Nilou Lab
Classification: Likely benign for Autosomal recessive limb-girdle muscular dystrophy type 2Y. Last evaluated: 2023-04-11. Review status: criteria provided, single submitter. Criteria: ACMG Guidelines, 2015. Collection method: clinical testing. Allele origin: germline. Affected: no.

CeGaT Center for Human Genetics Tuebingen
Classification: Likely benign. Last evaluated: 2022-07-01. Review status: criteria provided, single submitter. Criteria: CeGaT Center For Human Genetics Tuebingen Variant Classification Criteria Version 2. Collection method: clinical testing. Allele origin: germline. Affected: yes. Observed: 1 variant allele.
Comment: TOR1AIP1: BP4, BP7